The following is an entry in ClinVar:

NM_001127649.3(PEX26):c.211G>T (p.Ala71Ser)

Gene: PEX26 (peroxisomal biogenesis factor 26; plus strand). Cytogenetic location: 22q11.21.
Variant type: single nucleotide variant.
Coding change: c.211G>T on transcript NM_001127649.3 (MANE Select); coding-DNA position 211, G replaced by T.
Protein change: p.Ala71Ser; replaces alanine 71 with serine.
Molecular consequence: missense variant.
Genome position (GRCh38, 1-based): chr22:18,078,587, G>T. VCF-style: chr22-18078587-G-T. GRCh37 (hg19) VCF-style: chr22-18561353-G-T.
Other names: c.211G>T, p.Ala71Ser (NM_001199319.2, NM_017929.6); short protein forms A71S.
Identifiers: ClinVar variation 1496754 (VCV001496754.8), dbSNP rs1329985456, ClinGen allele CA410265315.

ClinVar aggregate classification (germline): Uncertain significance (1 of 4 stars; one submission).

Conditions:
Peroxisome biogenesis disorder 7B (PBD7B). Identifiers: Orphanet 44, MedGen C3553951, MONDO:0013939, OMIM 614873.
Peroxisome biogenesis disorder 7A (Zellweger). Also called: Peroxisome biogenesis disorder 7A. Identifiers: Orphanet 912, MedGen C3888385, MONDO:0013938, OMIM 614872.

Allele frequency attached by ClinVar (database versions not stated): gnomAD exomes below 0.00001.

Submission:

Labcorp Genetics (formerly Invitae), Labcorp
Classification: Uncertain significance for Peroxisome biogenesis disorder 7A (Zellweger); Peroxisome biogenesis disorder 7B. Last evaluated: 2025-04-16. Review status: criteria provided, single submitter. Criteria: Invitae Variant Classification Sherloc (09022015). Collection method: clinical testing. Allele origin: germline.
Comment: This sequence change replaces alanine, which is neutral and non-polar, with serine, which is neutral and polar, at codon 71 of the PEX26 protein (p.Ala71Ser). The frequency data for this variant in the population databases is considered unreliable, as metrics indicate poor data quality at this position in the gnomAD database. This variant has not been reported in the literature in individuals affected with PEX26-related conditions. ClinVar contains an entry for this variant (Variation ID: 1496754). Invitae Evidence Modeling of protein sequence and biophysical properties (such as structural, functional, and spatial information, amino acid conservation, physicochemical variation, residue mobility, and thermodynamic stability) indicates that this missense variant is not expected to disrupt PEX26 protein function with a negative predictive value of 95%. In summary, the available evidence is currently insufficient to determine the role of this variant in disease. Therefore, it has been classified as a Variant of Uncertain Significance.